The following is an entry in ClinVar:

NM_001918.5(DBT):c.1282-14T>A

Gene: DBT (dihydrolipoamide branched chain transacylase E2; minus strand). Cytogenetic location: 1p21.2.
Variant type: single nucleotide variant.
Coding change: c.1282-14T>A on transcript NM_001918.5 (MANE Select); 14 bases into the intron before coding-DNA position 1282, T replaced by A.
Molecular consequence: intron variant.
Genome position (GRCh38, 1-based): chr1:100,196,436, A>T on the plus strand (T>A on the coding strand, the complement: DBT is on the minus strand). VCF-style: chr1-100196436-A-T. GRCh37 (hg19) VCF-style: chr1-100661992-A-T.
Other names: c.1282-14T>A (NM_001918.3).
Identifiers: ClinVar variation 1547569 (VCV001547569.10), dbSNP rs1315625069, ClinGen allele CA1004970998.

ClinVar aggregate classification (germline): Likely benign. Review status: criteria provided, single submitter (1 of 4 stars). 2 submissions from 2 submitters: Likely benign (1). 1 of the submissions does not count toward it. Last evaluated 2026-01-26.

Conditions:
DBT-related disorder. Also called: DBT-related condition.
Maple syrup urine disease (MSUD). Identifiers: Orphanet 511, MedGen C0024776, MeSH D008375, MONDO:0009563. Disease mechanism: loss of function.

Submissions (2):

Labcorp Genetics (formerly Invitae), Labcorp
Classification: Likely benign for Maple syrup urine disease. Last evaluated: 2026-01-26. Review status: criteria provided, single submitter. Criteria: Invitae Variant Classification Sherloc (09022015). Collection method: clinical testing. Allele origin: germline.

PreventionGenetics, part of Exact Sciences
Classification: Likely benign for DBT-related condition. Last evaluated: 2022-06-10. Review status: no assertion criteria provided. Collection method: clinical testing. Allele origin: germline. Not counted in ClinVar's aggregate classification.
Comment: This variant is classified as likely benign based on ACMG/AMP sequence variant interpretation guidelines (Richards et al. 2015 PMID: 25741868, with internal and published modifications).